The following is an entry in ClinVar:

ClinVar aggregate classification (germline): Likely benign (1 of 4 stars; one submission).

Allele frequency attached by ClinVar (database versions not stated): gnomAD exomes 0.00083; ExAC 0.00106; 1000 Genomes Project 0.00339; gnomAD 0.00370; TOPMed 0.00405; 1000 Genomes Project 30x 0.00422.
gnomAD v4.1: 1,036 of 1,612,426 alleles (0.064%); highest among the groups gnomAD compares: African/African-American, 1.2%; 7 homozygotes.

Submission:

GeneDx
Classification: Likely benign. Last evaluated: 2018-06-16. Review status: criteria provided, single submitter. Criteria: GeneDx Variant Classification (06012015). Collection method: clinical testing. Allele origin: germline. Affected: yes.
Comment: This variant is considered likely benign or benign based on one or more of the following criteria: it is a conservative change, it occurs at a poorly conserved position in the protein, it is predicted to be benign by multiple in silico algorithms, and/or has population frequency not consistent with disease.

NM_004637.6(RAB7A):c.400-49G>T

Gene: RAB7A (RAB7A, member RAS oncogene family; plus strand). Cytogenetic location: 3q21.3.
Variant type: single nucleotide variant.
Coding change: c.400-49G>T on transcript NM_004637.6 (MANE Select); 49 bases into the intron before coding-DNA position 400, G replaced by T.
Molecular consequence: intron variant.
Genome position (GRCh38, 1-based): chr3:128,807,494, G>T. VCF-style: chr3-128807494-G-T. GRCh37 (hg19) VCF-style: chr3-128526337-G-T.
Identifiers: ClinVar variation 678235 (VCV000678235.1), dbSNP rs547411602, ClinGen allele CA2600825.
Genomic context (GRCh38, chr3:128,807,494, plus strand): 5'-CTCACCTGTACTACCTGTAGACGAGGGGCCATGACACTTCCTGGGGAGGATGGAGTCAGT[G>T]CTGGCTGCTTCTGTCATGAGCCTATGTGCACCCTGCTTCTTCTTTCAGGTGGCCACAAAG-3'